The following is an entry in ClinVar:

NM_017547.4(FOXRED1):c.1A>G (p.Met1Val)

Genes: FOXRED1 (FAD dependent oxidoreductase domain containing 1; plus strand), LOC130007026 (ATAC-STARR-seq lymphoblastoid active region 5705; plus strand). Cytogenetic location: 11q24.2.
Variant type: single nucleotide variant.
Coding change: c.1A>G on transcript NM_017547.4 (MANE Select); coding-DNA position 1, A replaced by G.
Protein change: p.Met1Val; changes the start codon (methionine 1).
Molecular consequence: missense variant, initiator codon variant. On other transcripts: non-coding transcript variant (2).
Genome position (GRCh38, 1-based): chr11:126,269,207, A>G. VCF-style: chr11-126269207-A-G. GRCh37 (hg19) VCF-style: chr11-126139102-A-G.
Other names: short protein forms M1V.
Identifiers: ClinVar variation 2062015 (VCV002062015.3), dbSNP rs1278923597, ClinGen allele CA383228612.

ClinVar aggregate classification (germline): Uncertain significance. Review status: criteria provided, multiple submitters, no conflicts (2 of 4 stars). 2 submissions from 2 submitters: Uncertain significance (2). Last evaluated 2025-02-03.

Conditions:
Mitochondrial complex I deficiency, nuclear type 19. Also called: Mitochondrial complex 1 deficiency, nuclear type 19. Identifiers: MedGen C4748791, MONDO:0032624, OMIM 618241.

Allele frequency attached by ClinVar (database versions not stated): gnomAD 0.00002; TOPMed 0.00005.

Submissions (2):

Institute of Human Genetics, University of Goettingen
Classification: Uncertain significance for Mitochondrial complex I deficiency, nuclear type 19. Last evaluated: 2025-02-03. Review status: criteria provided, single submitter. Criteria: ACMG Guidelines, 2015. Collection method: clinical testing. Allele origin: germline. Observed: 1 homozygote.
Comment: The start lost was identified in the Hom state in the FOXRED1 gene. This variant leads to p.Met1?. In silico tools predict this variant to be neutral. The conservation at this position is high. The splice prediction at this position is low. This variant has not been seen previously in our laboratory. The variant is present in ClinVar, |Other, and absent from HGMD. This variant is reported in gnomAD (MAF 0.00029). This variant is not present in the homozygous state in gnomAD. According to the ACMG guidelines, the variant is classified as VUS (PVS1_sup, PM2_sup, PM3_sup)

Labcorp Genetics (formerly Invitae), Labcorp
Classification: Uncertain significance. Last evaluated: 2022-04-04. Review status: criteria provided, single submitter. Criteria: Invitae Variant Classification Sherloc (09022015). Collection method: clinical testing. Allele origin: germline.
Comment: This sequence change affects the initiator methionine of the FOXRED1 mRNA. The next in-frame methionine is located at codon 10. This variant is present in population databases (no rsID available, gnomAD 0.002%). This variant has not been reported in the literature in individuals affected with FOXRED1-related conditions. Experimental studies and prediction algorithms are not available or were not evaluated, and the functional significance of this variant is currently unknown. In summary, the available evidence is currently insufficient to determine the role of this variant in disease. Therefore, it has been classified as a Variant of Uncertain Significance.